The following is an entry in ClinVar:

ClinVar aggregate classification (germline): Conflicting classifications of pathogenicity. Review status: criteria provided, conflicting classifications (1 of 4 stars). 3 submissions from 3 submitters: Uncertain significance (2); Likely benign (1). Last evaluated 2025-02-13.

Conditions:
CEP135-related disorder. Also called: CEP135-related condition.

Allele frequency attached by ClinVar (database versions not stated): gnomAD exomes 0.00008; ExAC 0.00028; 1000 Genomes Project 0.00040; gnomAD 0.00041; TOPMed 0.00048; 1000 Genomes Project 30x 0.00062; ESP Exome Variant Server 0.00070.
gnomAD v4.1: 175 of 1,468,718 alleles (0.012%); highest among the groups gnomAD compares: African/African-American, 0.15%; no homozygotes.

Submissions (3):

PreventionGenetics, part of Exact Sciences
Classification: Likely benign for CEP135-related condition. Last evaluated: 2025-02-13. Review status: criteria provided, single submitter. Criteria: ACMG Guidelines, 2015. Collection method: clinical testing. Allele origin: germline.
Comment: This variant is classified as likely benign based on ACMG/AMP sequence variant interpretation guidelines (Richards et al. 2015 PMID: 25741868, with internal and published modifications).

GeneDx
Classification: Uncertain significance. Last evaluated: 2023-07-06. Review status: criteria provided, single submitter. Criteria: GeneDx Variant Classification Process June 2021. Collection method: clinical testing. Allele origin: germline. Affected: yes.
Comment: In silico analysis supports that this missense variant has a deleterious effect on protein structure/function; Has not been previously published as pathogenic or benign to our knowledge; In silico analysis is inconclusive as to whether the variant alters gene splicing. In the absence of RNA/functional studies, the actual effect of this sequence change is unknown.

Labcorp Genetics (formerly Invitae), Labcorp
Classification: Uncertain significance. Last evaluated: 2022-01-12. Review status: criteria provided, single submitter. Criteria: Invitae Variant Classification Sherloc (09022015). Collection method: clinical testing. Allele origin: germline.
Comment: This sequence change replaces glutamic acid, which is acidic and polar, with lysine, which is basic and polar, at codon 623 of the CEP135 protein (p.Glu623Lys). This variant is present in population databases (rs372965500, gnomAD 0.1%). This variant has not been reported in the literature in individuals affected with CEP135-related conditions. Algorithms developed to predict the effect of missense changes on protein structure and function are either unavailable or do not agree on the potential impact of this missense change (SIFT: "Deleterious"; PolyPhen-2: "Probably Damaging"; Align-GVGD: "Class C0"). In summary, the available evidence is currently insufficient to determine the role of this variant in disease. Therefore, it has been classified as a Variant of Uncertain Significance.

NM_025009.5(CEP135):c.1867G>A (p.Glu623Lys)

Gene: CEP135 (centrosomal protein 135; plus strand). Cytogenetic location: 4q12.
Variant type: single nucleotide variant.
Coding change: c.1867G>A on transcript NM_025009.5 (MANE Select); coding-DNA position 1867, G replaced by A.
Protein change: p.Glu623Lys; replaces glutamic acid 623 with lysine.
Molecular consequence: missense variant.
Genome position (GRCh38, 1-based): chr4:55,991,943, G>A. VCF-style: chr4-55991943-G-A. GRCh37 (hg19) VCF-style: chr4-56858109-G-A.
Other names: c.1867G>A (NM_025009.4); short protein forms E623K.
Identifiers: ClinVar variation 2066825 (VCV002066825.3), dbSNP rs372965500, ClinGen allele CA2928003.
Genomic context (GRCh38, chr4:55,991,943, plus strand): 5'-ATCATTAACGTATTAAGATATATACCTACTGTTTTTTTATTTAAATTATAGCTTGAAAGC[G>A]AAAAATATGAATTAAAGTCTAAAGTGTTAATAATGAAAGAAACAATAGAGTCGTTAGAGA-3'
Protein context (NP_079285.2, residues 613-633): LTCVNHQLES[Glu623Lys]KYELKSKVLI